The following is an entry in ClinVar:

NC_012920.1(MT-TT):m.15935A>G

Gene: MT-TT (mitochondrially encoded tRNA threonine; plus strand).
Variant type: single nucleotide variant.
Genome position: chrM-15935-A-G.
Identifiers: ClinVar variation 690242 (VCV000690242.1), dbSNP rs1556424699, ClinGen allele CA913175242.

ClinVar aggregate classification (germline): Benign (1 of 4 stars; one submission).

Conditions:
MELAS syndrome (MELAS). Also called: Juvenile myopathy, encephalopathy, lactic acidosis, stroke. Identifiers: Orphanet 550, MedGen C0162671, MONDO:0010789, OMIM 540000.

Submission:

Wong Mito Lab, Molecular and Human Genetics, Baylor College of Medicine
Classification: Benign for MELAS syndrome. Last evaluated: 2019-07-12. Review status: criteria provided, single submitter. Criteria: Modified ACMG Guidelines (Unpublished). Collection method: clinical testing. Allele origin: germline.
Comment: The NC_012920.1:m.15935A>G variant in MT-TT gene is interpreted to be a Benign variant based on the modified ACMG guidelines (unpublished). This variant meets the following evidence codes reported in the guidelines: BS1, BS2, BP4

Literature cited by the submitters: PubMed 31965079.